The following is an entry in ClinVar:

NM_000215.4(JAK3):c.2716C>T (p.Pro906Ser)

Gene: JAK3 (Janus kinase 3; minus strand). Cytogenetic location: 19p13.11.
Variant type: single nucleotide variant.
Coding change: c.2716C>T on transcript NM_000215.4 (MANE Select); coding-DNA position 2716, C replaced by T.
Protein change: p.Pro906Ser; replaces proline 906 with serine.
Molecular consequence: missense variant.
Genome position (GRCh38, 1-based): chr19:17,831,763, G>A on the plus strand (C>T on the coding strand, the complement: JAK3 is on the minus strand). VCF-style: chr19-17831763-G-A. GRCh37 (hg19) VCF-style: chr19-17942572-G-A.
Other names: short protein forms P906S.
Identifiers: ClinVar variation 2851081 (VCV002851081.4), dbSNP rs2147677020, ClinGen allele CA404765703.

ClinVar aggregate classification (germline): Uncertain significance. Review status: criteria provided, multiple submitters, no conflicts (2 of 4 stars). 2 submissions from 2 submitters: Uncertain significance (2). Last evaluated 2025-05-27.

Conditions:
T-B+ severe combined immunodeficiency due to JAK3 deficiency. Also called: SCID, autosomal recessive, T-negative/B-positive type; SCID, T CELL-NEGATIVE, B CELL-POSITIVE, NK CELL-NEGATIVE. Identifiers: Orphanet 35078, MedGen C1833275, MONDO:0010938, OMIM 600802.

Allele frequency attached by ClinVar (database versions not stated): gnomAD exomes below 0.00001.
gnomAD v4.1: 1 of 1,612,784 alleles (0.000062%); highest among the groups gnomAD compares: Non-Finnish European, 0.000085%; no homozygotes.

Submissions (2):

Labcorp Genetics (formerly Invitae), Labcorp
Classification: Uncertain significance for T-B+ severe combined immunodeficiency due to JAK3 deficiency. Last evaluated: 2025-05-27. Review status: criteria provided, single submitter. Criteria: Invitae Variant Classification Sherloc (09022015). Collection method: clinical testing. Allele origin: germline.
Comment: This sequence change replaces proline, which is neutral and non-polar, with serine, which is neutral and polar, at codon 906 of the JAK3 protein (p.Pro906Ser). This variant is not present in population databases (gnomAD no frequency). This variant has not been reported in the literature in individuals affected with JAK3-related conditions. ClinVar contains an entry for this variant (Variation ID: 2851081). Invitae Evidence Modeling of protein sequence and biophysical properties (such as structural, functional, and spatial information, amino acid conservation, physicochemical variation, residue mobility, and thermodynamic stability) has been performed for this missense variant. However, the output from this modeling did not meet the statistical confidence thresholds required to predict the impact of this variant on JAK3 protein function. In summary, the available evidence is currently insufficient to determine the role of this variant in disease. Therefore, it has been classified as a Variant of Uncertain Significance.

Blueprint Genetics
Classification: Uncertain significance. Last evaluated: 2020-02-18. Review status: criteria provided, single submitter. Criteria: ACMG Guidelines, 2015. Collection method: clinical testing. Allele origin: germline.